The following is an entry in ClinVar:

ClinVar aggregate classification (germline): Uncertain significance (1 of 4 stars; one submission).

Conditions:
Methylmalonic aciduria and homocystinuria type cblD (MAHCD). Also called: METHYLMALONIC ACIDEMIA, cblH TYPE; Methylmalonic aciduria with homocystinuria cblD type. Identifiers: Orphanet 622, Orphanet 79283, MedGen C1848552, MONDO:0010185, OMIM 277410.

Submission:

Labcorp Genetics (formerly Invitae), Labcorp
Classification: Uncertain significance for Methylmalonic aciduria and homocystinuria type cblD. Last evaluated: 2021-11-27. Review status: criteria provided, single submitter. Criteria: Invitae Variant Classification Sherloc (09022015). Collection method: clinical testing. Allele origin: germline.
Comment: In summary, the available evidence is currently insufficient to determine the role of this variant in disease. Therefore, it has been classified as a Variant of Uncertain Significance. Algorithms developed to predict the effect of missense changes on protein structure and function (SIFT, PolyPhen-2, Align-GVGD) all suggest that this variant is likely to be tolerated. This variant has not been reported in the literature in individuals affected with MMADHC-related conditions. This variant is not present in population databases (gnomAD no frequency). This sequence change replaces asparagine, which is neutral and polar, with serine, which is neutral and polar, at codon 121 of the MMADHC protein (p.Asn121Ser).

NM_015702.3(MMADHC):c.362A>G (p.Asn121Ser)

Gene: MMADHC (metabolism of cobalamin associated D; minus strand). Cytogenetic location: 2q23.2.
Variant type: single nucleotide variant.
Coding change: c.362A>G on transcript NM_015702.3 (MANE Select); coding-DNA position 362, A replaced by G.
Protein change: p.Asn121Ser; replaces asparagine 121 with serine.
Molecular consequence: missense variant.
Genome position (GRCh38, 1-based): chr2:149,579,441, T>C on the plus strand (A>G on the coding strand, the complement: MMADHC is on the minus strand). VCF-style: chr2-149579441-T-C. GRCh37 (hg19) VCF-style: chr2-150435955-T-C.
Other names: short protein forms N121S.
Identifiers: ClinVar variation 2003264 (VCV002003264.4), dbSNP rs2467644786, ClinGen allele CA348870497.